The following is an entry in ClinVar:

ClinVar aggregate classification (germline): Conflicting classifications of pathogenicity. Review status: criteria provided, conflicting classifications (1 of 4 stars). 4 submissions from 4 submitters: Pathogenic (1); Uncertain significance (3). Last evaluated 2025-07-17.

Conditions:
Charcot-Marie-Tooth disease. Also called: Charcot-Marie-Tooth Hereditary Neuropathy; Charcot-Marie-Tooth Neuropathy. Identifiers: Orphanet 166, MedGen C0007959, MONDO:0015626.
Charcot-Marie-Tooth disease axonal type 2F (CMT2F). Also called: CHARCOT-MARIE-TOOTH DISEASE, NEURONAL, TYPE 2F; Charcot-Marie-Tooth Neuropathy Type 2F. Identifiers: Orphanet 99940, MedGen C1847823, MONDO:0011687, OMIM 606595.

Allele frequency attached by ClinVar (database versions not stated): gnomAD below 0.00001 and 0.00001; TOPMed below 0.00001; gnomAD exomes 0.00010; ExAC 0.00015.
gnomAD v4.1: 59 of 1,584,020 alleles (0.0037%); highest among the groups gnomAD compares: South Asian, 0.063%; no homozygotes.

Submissions (4):

Women's Health and Genetics/Laboratory Corporation of America, LabCorp
Classification: Uncertain significance. Last evaluated: 2025-07-17. Review status: criteria provided, single submitter. Criteria: LabCorp Variant Classification Summary - May 2015. Collection method: clinical testing. Allele origin: germline.
Comment: Variant summary: HSPB1 c.153G>A (p.Trp51X) results in a premature termination codon, predicted to cause a truncation of the encoded protein or absence of the protein due to nonsense mediated decay, however current evidence is not sufficient to establish loss of function as a mechanism for disease. The variant allele was found at a frequency of 9.9e-05 in 191560 control chromosomes. The observed variant frequency is approximately 99-fold of the estimated maximal expected allele frequency for a pathogenic variant in HSPB1 causing Charcot-Marie-Tooth disease axonal type 2F phenotype (1e-06). c.153G>A has been observed in at least one individual affected with suspected Charcot-Marie-Tooth disease (e.g. Volodarsky_2021). These report(s) do not provide unequivocal conclusions about association of the variant with Charcot-Marie-Tooth disease axonal type 2F. To our knowledge, no experimental evidence demonstrating an impact on protein function has been reported. The following publication has been ascertained in the context of this evaluation (PMID: 32376792). ClinVar contains an entry for this variant (Variation ID: 917325). Based on the evidence outlined above, the variant was classified as VUS-possibly benign.

Revvity Omics, Revvity
Classification: Uncertain significance. Last evaluated: 2024-02-07. Review status: criteria provided, single submitter. Criteria: ACMG Guidelines, 2015. Collection method: clinical testing. Allele origin: germline.

Labcorp Genetics (formerly Invitae), Labcorp
Classification: Uncertain significance for Charcot-Marie-Tooth disease axonal type 2F. Last evaluated: 2021-09-05. Review status: criteria provided, single submitter. Criteria: Invitae Variant Classification Sherloc (09022015). Collection method: clinical testing. Allele origin: germline.
Comment: In summary, the available evidence is currently insufficient to determine the role of this variant in disease. Therefore, it has been classified as a Variant of Uncertain Significance. ClinVar contains an entry for this variant (Variation ID: 917325). This variant has not been reported in the literature in individuals affected with HSPB1-related conditions. This variant is present in population databases (rs769118115, ExAC 0.07%). This sequence change creates a premature translational stop signal (p.Trp51*) in the HSPB1 gene. It is expected to result in an absent or disrupted protein product. However, the current clinical and genetic evidence is not sufficient to establish whether loss-of-function variants in HSPB1 cause disease.

Molecular Genetics Laboratory, London Health Sciences Centre
Classification: Pathogenic for Charcot-Marie-Tooth disease. Review status: criteria provided, single submitter. Criteria: ACMG Guidelines, 2015. Collection method: clinical testing. Allele origin: germline. Affected: yes.

Literature cited by the submitters: PubMed 32376792 (cited by Women's Health and Genetics/Laboratory Corporation of America, LabCorp).

NM_001540.5(HSPB1):c.153G>A (p.Trp51Ter)

Gene: HSPB1 (heat shock protein family B (small) member 1; plus strand). Cytogenetic location: 7q11.23.
Variant type: single nucleotide variant.
Coding change: c.153G>A on transcript NM_001540.5 (MANE Select); coding-DNA position 153, G replaced by A.
Protein change: p.Trp51Ter; replaces tryptophan 51 with a stop codon.
Molecular consequence: nonsense.
Genome position (GRCh38, 1-based): chr7:76,302,865, G>A. VCF-style: chr7-76302865-G-A. GRCh37 (hg19) VCF-style: chr7-75932182-G-A.
Other names: short protein forms W51*.
Identifiers: ClinVar variation 917325 (VCV000917325.10), dbSNP rs769118115, ClinGen allele CA4306272.